The following is an entry in ClinVar:

NM_000330.4(RS1):c.53-34A>G

Gene: RS1 (retinoschisin 1; minus strand). Cytogenetic location: Xp22.13.
Variant type: single nucleotide variant.
Coding change: c.53-34A>G on transcript NM_000330.4 (MANE Select); 34 bases into the intron before coding-DNA position 53, A replaced by G.
Molecular consequence: intron variant.
Genome position (GRCh38, 1-based): chrX:18,657,699, T>C on the plus strand (A>G on the coding strand, the complement: RS1 is on the minus strand). VCF-style: chrX-18657699-T-C. GRCh37 (hg19) VCF-style: chrX-18675819-T-C.
Identifiers: ClinVar variation 4814182 (VCV004814182.1).
Genomic context (GRCh38, chrX:18,657,699, plus strand): 5'-CCTCGGTAGACGATAATCCCAATGTGGCTAAAGCAAAAGGATGAGACAGAAAAAATCTAA[T>C]TAATGAAAGAGAAATCCAACAGCATCACTCGTTACATGGAAAAGTGAAATAGAAATAGTC-3'

ClinVar aggregate classification (germline): Pathogenic (1 of 4 stars; one submission).

Conditions:
Juvenile retinoschisis (RS1). Also called: X-Linked Juvenile Retinoschisis; X-linked retinoschisis. Identifiers: Orphanet 792, MedGen C3714753, MONDO:0010725, OMIM 312700.

Submission:

North West Genomic Laboratory Hub, Manchester University NHS Foundation Trust
Classification: Pathogenic for Juvenile retinoschisis. Last evaluated: 2025-01-02. Review status: criteria provided, single submitter. Criteria: ACGS Best Practice Guidelines for Variant Classification in Rare Disease 2024. Collection method: clinical testing. Allele origin: germline. Affected: yes.
Comment: PM2_Mod PVS1_VStr PS4_Mod PP1_Str